The following is an entry in ClinVar:

ClinVar aggregate classification (germline): Uncertain significance (1 of 4 stars; one submission).

Submission:

Labcorp Genetics (formerly Invitae), Labcorp
Classification: Uncertain significance. Last evaluated: 2021-12-08. Review status: criteria provided, single submitter. Criteria: Invitae Variant Classification Sherloc (09022015). Collection method: clinical testing. Allele origin: germline.
Comment: In summary, the available evidence is currently insufficient to determine the role of this variant in disease. Therefore, it has been classified as a Variant of Uncertain Significance. Experimental studies and prediction algorithms are not available or were not evaluated, and the functional significance of this variant is currently unknown. This variant has not been reported in the literature in individuals affected with CUL7-related conditions. This variant results in a copy number gain of the genomic region encompassing exon(s) 20-26 of the CUL7 gene. This region includes the termination codon of the gene. This copy number gain extends beyond the assayed region for this gene and therefore may encompass additional genes. As the precise location of this event is unknown, it may be in tandem or it may be located elsewhere in the genome.

NC_000006.11:g.(?_43005426)_(43008833_?)dup

Gene: CUL7 (cullin 7; minus strand). Cytogenetic location: 6p21.1.
Variant type: Duplication.
Identifiers: ClinVar variation 2425972 (VCV002425972.4).